The following is an entry in ClinVar:

ClinVar aggregate classification (germline): Uncertain significance (1 of 4 stars; one submission).

Submission:

Labcorp Genetics (formerly Invitae), Labcorp
Classification: Uncertain significance. Last evaluated: 2021-10-09. Review status: criteria provided, single submitter. Criteria: Invitae Variant Classification Sherloc (09022015). Collection method: clinical testing. Allele origin: germline.
Comment: In summary, the available evidence is currently insufficient to determine the role of this variant in disease. Therefore, it has been classified as a Variant of Uncertain Significance. Algorithms developed to predict the effect of missense changes on protein structure and function are either unavailable or do not agree on the potential impact of this missense change (SIFT: "Deleterious"; PolyPhen-2: "Not Available"; Align-GVGD: "Class C0"). This sequence change replaces glutamic acid with glutamine at codon 4090 of the PCLO protein (p.Glu4090Gln). The glutamic acid residue is moderately conserved and there is a small physicochemical difference between glutamic acid and glutamine. This variant is not present in population databases (ExAC no frequency). This variant has not been reported in the literature in individuals affected with PCLO-related conditions.

NM_033026.6(PCLO):c.12268G>C (p.Glu4090Gln)

Gene: PCLO (piccolo presynaptic cytomatrix protein; minus strand). Cytogenetic location: 7q21.11.
Variant type: single nucleotide variant.
Coding change: c.12268G>C on transcript NM_033026.6 (MANE Select); coding-DNA position 12268, G replaced by C.
Protein change: p.Glu4090Gln; replaces glutamic acid 4090 with glutamine.
Molecular consequence: missense variant.
Genome position (GRCh38, 1-based): chr7:82,915,718, C>G on the plus strand (G>C on the coding strand, the complement: PCLO is on the minus strand). VCF-style: chr7-82915718-C-G. GRCh37 (hg19) VCF-style: chr7-82545034-C-G.
Other names: c.12268G>C, p.Glu4090Gln (NM_014510.3); short protein forms E4090Q.
Identifiers: ClinVar variation 1385484 (VCV001385484.6), dbSNP rs2116266751, ClinGen allele CA367889262.